The following is an entry in ClinVar:

NM_003072.5(SMARCA4):c.3278G>A (p.Arg1093Gln)

Gene: SMARCA4 (SWI/SNF related BAF chromatin remodeling complex subunit ATPase 4; plus strand). Cytogenetic location: 19p13.2.
Variant type: single nucleotide variant.
Coding change: c.3278G>A on transcript NM_003072.5 (MANE Select); coding-DNA position 3278, G replaced by A.
Protein change: p.Arg1093Gln; replaces arginine 1093 with glutamine.
Molecular consequence: missense variant. On other transcripts: non-coding transcript variant (1).
Genome position (GRCh38, 1-based): chr19:11,027,846, G>A. VCF-style: chr19-11027846-G-A. GRCh37 (hg19) VCF-style: chr19-11138522-G-A.
Other names: c.3278G>A, p.Arg1093Gln (NM_001128844.3, NM_001128845.2, NM_001128846.2 and 4 more transcripts); short protein forms R1093Q.
Identifiers: ClinVar variation 823390 (VCV000823390.19), dbSNP rs1568498301, ClinGen allele CA404061489.

ClinVar aggregate classification (germline): Uncertain significance. Review status: criteria provided, multiple submitters, no conflicts (2 of 4 stars). 5 submissions from 5 submitters: Uncertain significance (5). Last evaluated 2024-11-25.

Conditions:
Intellectual disability, autosomal dominant 16 (CSS4). Also called: COFFIN-SIRIS SYNDROME 4. Identifiers: Orphanet 1465, MedGen C3553249, MONDO:0013821, OMIM 614609.
Hereditary cancer-predisposing syndrome. Also called: Tumor predisposition; Hereditary Cancer Syndrome; Neoplastic Syndromes, Hereditary; Hereditary neoplastic syndrome. Identifiers: Orphanet 140162, MedGen C0027672, MeSH D009386, MONDO:0015356.
Rhabdoid tumor predisposition syndrome 2 (RTPS2). Identifiers: Orphanet 231108, Orphanet 69077, MedGen C2750074, MONDO:0013224, OMIM 613325.

Allele frequency attached by ClinVar (database versions not stated): gnomAD exomes 0.00001.
gnomAD v4.1: 9 of 1,614,108 alleles (0.00056%); highest among the groups gnomAD compares: Non-Finnish European, 0.00076%; no homozygotes.

Submissions (5):

Labcorp Genetics (formerly Invitae), Labcorp
Classification: Uncertain significance for Rhabdoid tumor predisposition syndrome 2. Last evaluated: 2024-11-25. Review status: criteria provided, single submitter. Criteria: Invitae Variant Classification Sherloc (09022015). Collection method: clinical testing. Allele origin: germline.
Comment: This sequence change replaces arginine, which is basic and polar, with glutamine, which is neutral and polar, at codon 1093 of the SMARCA4 protein (p.Arg1093Gln). This variant is not present in population databases (gnomAD no frequency). This variant has not been reported in the literature in individuals affected with SMARCA4-related conditions. ClinVar contains an entry for this variant (Variation ID: 823390). Invitae Evidence Modeling of protein sequence and biophysical properties (such as structural, functional, and spatial information, amino acid conservation, physicochemical variation, residue mobility, and thermodynamic stability) indicates that this missense variant is not expected to disrupt SMARCA4 protein function with a negative predictive value of 95%. In summary, the available evidence is currently insufficient to determine the role of this variant in disease. Therefore, it has been classified as a Variant of Uncertain Significance.

Ambry Genetics
Classification: Uncertain significance for Hereditary cancer-predisposing syndrome. Last evaluated: 2024-07-10. Review status: criteria provided, single submitter. Criteria: Ambry Variant Classification Scheme 2023. Collection method: clinical testing. Allele origin: germline.
Comment: The p.R1093Q variant (also known as c.3278G>A), located in coding exon 23 of the SMARCA4 gene, results from a G to A substitution at nucleotide position 3278. The arginine at codon 1093 is replaced by glutamine, an amino acid with highly similar properties. This variant has been detected in multiple individuals with no reported features of Coffin-Siris syndrome (Ambry internal data). This amino acid position is highly conserved in available vertebrate species. In addition, the in silico prediction for this alteration is inconclusive. Based on the supporting evidence, the association of this alteration with rhabdoid tumor predisposition syndrome is unknown; however, the association of this alteration with Coffin-Siris syndrome is unlikely.

Baylor Genetics
Classification: Uncertain significance for Rhabdoid tumor predisposition syndrome 2. Last evaluated: 2023-09-05. Review status: criteria provided, single submitter. Criteria: ACMG Guidelines, 2015. Collection method: clinical testing. Allele origin: unknown.

Sema4
Classification: Uncertain significance for Hereditary cancer-predisposing syndrome. Last evaluated: 2022-01-09. Review status: criteria provided, single submitter. Criteria: Sema4 Curation Guidelines. Collection method: curation. Allele origin: germline.
Comment: The SMARCA4 c.3278G>A (p.R1093Q) variant has not been reported in the literature to our knowledge. It was not observed in the large and broad cohorts of the Genome Aggregation Database (PMID: 32461654). This variant has been reported in ClinVar (Variation ID 823390). Functional studies have not been performed, and in silico predictions of the variant's effect on protein function are inconclusive.The evidence is insufficient to meet ACMG/AMP criteria for classifying the variant as benign or pathogenic. Thus, the clinical significance of this variant is currently uncertain.

Genome-Nilou Lab
Classification: Uncertain significance for Intellectual disability, autosomal dominant 16. Last evaluated: 2021-07-15. Review status: criteria provided, single submitter. Criteria: ACMG Guidelines, 2015. Collection method: clinical testing. Allele origin: germline. Affected: no.